The following is an entry in ClinVar:

NM_000098.3(CPT2):c.300dup (p.Ala101fs)

Gene: CPT2 (carnitine palmitoyltransferase 2; plus strand). Cytogenetic location: 1p32.3.
Variant type: Duplication.
Coding change: c.300dup on transcript NM_000098.3 (MANE Select); coding-DNA position 300, one base duplicated (T; older notation c.300dupT).
Protein change: p.Ala101fs; shifts the reading frame from alanine 101.
Molecular consequence: frameshift variant.
Genome position (GRCh38, 1-based): chr1:53,202,389, T duplicated; the last of 2 consecutive T bases (chr1:53,202,388-53,202,389); duplicating either gives the same sequence. VCF-style (leftmost placement, unchanged base first): chr1-53202387-G-GT. GRCh37 (hg19) VCF-style: chr1-53668059-G-GT.
Other names: c.300dup, p.Ala101fs (NM_001330589.2); short protein forms A101fs.
Identifiers: ClinVar variation 3642494 (VCV003642494.2).
Genomic context (GRCh38, chr1:53,202,387, plus strand): 5'-ACAGAACAATTTTGCAAGAGTTTTGAAAATGGGATTGGAAAAGAACTGCATGAGCAGCTG[G>GT]TTGCTCTGGACAAACAGAATAAACATACAAGCTACATTTCGGGTAGGTAGGCTGGGCTGT-3'

ClinVar aggregate classification (germline): Pathogenic (1 of 4 stars; one submission).

Conditions:
Carnitine palmitoyltransferase II deficiency. Also called: Carnitine Palmitoyltransferase 2 Deficiency. Identifiers: Orphanet 157, MedGen C0342790, MONDO:0015515.

Submission:

Labcorp Genetics (formerly Invitae), Labcorp
Classification: Pathogenic for Carnitine palmitoyltransferase II deficiency. Last evaluated: 2024-02-22. Review status: criteria provided, single submitter. Criteria: Invitae Variant Classification Sherloc (09022015). Collection method: clinical testing. Allele origin: germline.
Comment: This sequence change creates a premature translational stop signal (p.Ala101Cysfs*7) in the CPT2 gene. It is expected to result in an absent or disrupted protein product. Loss-of-function variants in CPT2 are known to be pathogenic (PMID: 16781677, 16996287). This variant is not present in population databases (gnomAD no frequency). This variant has not been reported in the literature in individuals affected with CPT2-related conditions. For these reasons, this variant has been classified as Pathogenic.

Literature cited by the submitters: PubMed 16781677; PubMed 16996287.